The following is an entry in ClinVar:

ClinVar aggregate classification (germline): Uncertain significance (1 of 4 stars; one submission).

Conditions:
Epidermolysis bullosa simplex 5B, with muscular dystrophy (EBS5B). Also called: EPIDERMOLYSIS BULLOSA SIMPLEX AND LIMB-GIRDLE MUSCULAR DYSTROPHY; Epidermolysis bullosa simplex with muscular dystrophy. Identifiers: Orphanet 257, MedGen C2931072, MONDO:0009181, OMIM 226670.
Epidermolysis bullosa simplex 5C, with pyloric atresia (EBS5C). Also called: Epidermolysis bullosa simplex with pyloric atresia; PLEC-Related Epidermolysis Bullosa with Pyloric Atresia; PLEC1-Related Epidermolysis Bullosa with Pyloric Atresia. Identifiers: Orphanet 158684, MedGen C2677349, MONDO:0012807, OMIM 612138.
Autosomal recessive limb-girdle muscular dystrophy type 2Q (LGMDR17). Also called: MUSCULAR DYSTROPHY, LIMB-GIRDLE, AUTOSOMAL RECESSIVE 17. Identifiers: Orphanet 254361, MedGen C3150989, MONDO:0013390, OMIM 613723.
Epidermolysis bullosa simplex with nail dystrophy (EBS5D). Identifiers: MedGen C4225309, MONDO:0014661, OMIM 616487.
Epidermolysis bullosa simplex, Ogna type (EBS5A). Also called: Pidermolysis bullosa simplex 5A, Ogna type; EPIDERMOLYSIS BULLOSA SIMPLEX 5A, OGNA TYPE. Identifiers: Orphanet 79401, MedGen C0432317, MONDO:0007555, OMIM 131950.

Submission:

Labcorp Genetics (formerly Invitae), Labcorp
Classification: Uncertain significance for Autosomal recessive limb-girdle muscular dystrophy type 2Q; Epidermolysis bullosa simplex, Ogna type; Epidermolysis bullosa simplex with nail dystrophy; Epidermolysis bullosa simplex 5C, with pyloric atresia; Epidermolysis bullosa simplex 5B, with muscular dystrophy. Last evaluated: 2020-01-07. Review status: criteria provided, single submitter. Criteria: Invitae Variant Classification Sherloc (09022015). Collection method: clinical testing. Allele origin: germline.
Comment: In summary, the available evidence is currently insufficient to determine the role of this variant in disease. Therefore, it has been classified as a Variant of Uncertain Significance. Algorithms developed to predict the effect of sequence changes on RNA splicing suggest that this variant may create or strengthen a splice site, but this prediction has not been confirmed by published transcriptional studies. Algorithms developed to predict the effect of missense changes on protein structure and function (SIFT, PolyPhen-2, Align-GVGD) all suggest that this variant is likely to be disruptive, but these predictions have not been confirmed by published functional studies and their clinical significance is uncertain. This variant has not been reported in the literature in individuals with PLEC-related conditions. This variant is not present in population databases (ExAC no frequency). This sequence change replaces leucine with valine at codon 3027 of the PLEC protein (p.Leu3027Val). The leucine residue is highly conserved and there is a small physicochemical difference between leucine and valine.

NM_201384.3(PLEC):c.8998C>G (p.Leu3000Val)

Gene: PLEC (plectin; minus strand). Cytogenetic location: 8q24.3.
Variant type: single nucleotide variant.
Coding change: c.8998C>G on transcript NM_201384.3 (MANE Select); coding-DNA position 8998, C replaced by G.
Protein change: p.Leu3000Val; replaces leucine 3000 with valine.
Molecular consequence: missense variant.
Genome position (GRCh38, 1-based): chr8:143,920,823, G>C on the plus strand (C>G on the coding strand, the complement: PLEC is on the minus strand). VCF-style: chr8-143920823-G-C. GRCh37 (hg19) VCF-style: chr8-144994991-G-C.
Other names: c.9079C>G, p.Leu3027Val (NM_000445.5); c.8956C>G, p.Leu2986Val (NM_201378.4); c.8932C>G, p.Leu2978Val (NM_201379.3); c.9409C>G, p.Leu3137Val (NM_201380.4); c.8902C>G, p.Leu2968Val (NM_201381.3); c.8998C>G, p.Leu3000Val (NM_201382.4); c.9010C>G, p.Leu3004Val (NM_201383.3); short protein forms L3137V, L2978V, L3000V, L2986V, L3027V, L2968V, L3004V.
Identifiers: ClinVar variation 1042605 (VCV001042605.5), dbSNP rs1586827787, ClinGen allele CA372514434.